The following is an entry in ClinVar:

ClinVar aggregate classification (germline): Pathogenic/Likely pathogenic. Review status: criteria provided, multiple submitters, no conflicts (2 of 4 stars). 2 submissions from 2 submitters: Pathogenic (1); Likely pathogenic (1). Last evaluated 2025-08-18.

Conditions:
Multiple mitochondrial dysfunctions syndrome 1 (MMDS1). Identifiers: Orphanet 401869, MedGen C3276432, MONDO:0011582, OMIM 605711.

Submissions (2):

Dasa
Classification: Likely pathogenic. Last evaluated: 2025-08-18. Review status: criteria provided, single submitter. Criteria: DASA Assertion Criteria. Collection method: clinical testing. Allele origin: germline.
Comment: NM_001002755.4(NFU1):c.264del (p.Thr90Profs*20) introduces a premature termination codon predicted to result in loss of normal protein function. Loss-of-function is an established mechanism of disease for this gene. The variant is present at low frequency in population datasets. Based on the available data, this variant is classified as likely pathogenic.

Labcorp Genetics (formerly Invitae), Labcorp
Classification: Pathogenic for Multiple mitochondrial dysfunctions syndrome 1. Last evaluated: 2024-02-22. Review status: criteria provided, single submitter. Criteria: Invitae Variant Classification Sherloc (09022015). Collection method: clinical testing. Allele origin: germline.
Comment: This sequence change creates a premature translational stop signal (p.Thr90Profs*20) in the NFU1 gene. It is expected to result in an absent or disrupted protein product. Loss-of-function variants in NFU1 are known to be pathogenic (PMID: 25758857, 28470589, 28803783). This variant is present in population databases (rs758059871, gnomAD 0.01%). This variant has not been reported in the literature in individuals affected with NFU1-related conditions. For these reasons, this variant has been classified as Pathogenic.

Literature cited by the submitters: PubMed 25758857 (cited by Labcorp Genetics (formerly Invitae), Labcorp); PubMed 28470589 (cited by Labcorp Genetics (formerly Invitae), Labcorp); PubMed 28803783 (cited by Labcorp Genetics (formerly Invitae), Labcorp).

NM_001002755.4(NFU1):c.264del (p.Thr90fs)

Gene: NFU1 (NFU1 iron-sulfur cluster scaffold; minus strand). Cytogenetic location: 2p13.3.
Variant type: Deletion.
Coding change: c.264del on transcript NM_001002755.4 (MANE Select); coding-DNA position 264, one base deleted (T; older notation c.264delT).
Protein change: p.Thr90fs; shifts the reading frame from threonine 90.
Molecular consequence: frameshift variant. On other transcripts: intron variant (1).
Genome position (GRCh38, 1-based): chr2:69,423,620, A deleted on the plus strand (T on the coding strand, the reverse complement: NFU1 is on the minus strand); the first of 4 consecutive A bases (chr2:69,423,620-69,423,623); deleting any one gives the same sequence. VCF-style (leftmost placement, unchanged base first): chr2-69423619-GA-G. GRCh37 (hg19) VCF-style: chr2-69650751-GA-G.
Other names: c.192del, p.Thr66fs (NM_001374284.1, NM_015700.4); c.-121-4016del (NM_001002756.2); short protein forms T90fs, T66fs.
Identifiers: ClinVar variation 3716398 (VCV003716398.3).